The following is an entry in ClinVar:

ClinVar aggregate classification (germline): Pathogenic (1 of 4 stars; one submission).

gnomAD v4.1: 7 of 1,613,994 alleles (0.00043%); highest among the groups gnomAD compares: Non-Finnish European, 0.00059%; no homozygotes.

Submission:

Labcorp Genetics (formerly Invitae), Labcorp
Classification: Pathogenic. Last evaluated: 2023-05-19. Review status: criteria provided, single submitter. Criteria: Invitae Variant Classification Sherloc (09022015). Collection method: clinical testing. Allele origin: germline.
Comment: For these reasons, this variant has been classified as Pathogenic. This variant has not been reported in the literature in individuals affected with ESCO2-related conditions. This variant is present in population databases (no rsID available, gnomAD 0.0009%). This sequence change creates a premature translational stop signal (p.Glu98*) in the ESCO2 gene. It is expected to result in an absent or disrupted protein product. Loss-of-function variants in ESCO2 are known to be pathogenic (PMID: 15821733, 16380922).

Literature cited by the submitters: PubMed 15821733; PubMed 16380922.

NM_001017420.3(ESCO2):c.292G>T (p.Glu98Ter)

Gene: ESCO2 (establishment of sister chromatid cohesion N-acetyltransferase 2; plus strand). Cytogenetic location: 8p21.1.
Variant type: single nucleotide variant.
Coding change: c.292G>T on transcript NM_001017420.3 (MANE Select); coding-DNA position 292, G replaced by T.
Protein change: p.Glu98Ter; replaces glutamic acid 98 with a stop codon.
Molecular consequence: nonsense.
Genome position (GRCh38, 1-based): chr8:27,776,600, G>T. VCF-style: chr8-27776600-G-T. GRCh37 (hg19) VCF-style: chr8-27634117-G-T.
Other names: short protein forms E98*.
Identifiers: ClinVar variation 2865726 (VCV002865726.3), dbSNP rs1277093532, ClinGen allele CA370817714.